The following is an entry in ClinVar:

NM_002541.4(OGDH):c.3042C>T (p.Phe1014=)

Gene: OGDH (oxoglutarate dehydrogenase; plus strand). Cytogenetic location: 7p13.
Variant type: single nucleotide variant.
Coding change: c.3042C>T on transcript NM_002541.4 (MANE Select); coding-DNA position 3042, C replaced by T.
Protein change: p.Phe1014=; no amino-acid change (phenylalanine 1014 retained).
Molecular consequence: synonymous variant.
Genome position (GRCh38, 1-based): chr7:44,707,969, C>T. VCF-style: chr7-44707969-C-T. GRCh37 (hg19) VCF-style: chr7-44747568-C-T.
Other names: c.3030C>T, p.Phe1010= (NM_001165036.2); c.3075C>T, p.Phe1025= (NM_001363523.2); c.3075C>T (NM_001363523.1).
Identifiers: ClinVar variation 714606 (VCV000714606.14), dbSNP rs144300328, ClinGen allele CA4244287.

ClinVar aggregate classification (germline): Benign/Likely benign. Review status: criteria provided, multiple submitters, no conflicts (2 of 4 stars). 3 submissions from 3 submitters: Benign (1); Likely benign (2). Last evaluated 2026-06-10.

Conditions:
OGDH-related disorder. Also called: OGDH-related condition.
Oxoglutaricaciduria. Identifiers: Orphanet 31, MedGen C2752074, MONDO:0008759, OMIM 203740.

Allele frequency attached by ClinVar (database versions not stated): ESP Exome Variant Server 0.00008; TOPMed 0.00009; gnomAD 0.00011 and 0.00013; gnomAD exomes 0.00012 and 0.00020; ExAC 0.00016; 1000 Genomes Project 0.00100; 1000 Genomes Project 30x 0.00109.
gnomAD v4.1: 191 of 1,613,748 alleles (0.012%); highest among the groups gnomAD compares: East Asian, 0.12%; no homozygotes.

Submissions (3):

PreventionGenetics, part of Exact Sciences
Classification: Likely benign for OGDH-related condition. Last evaluated: 2026-06-10. Review status: criteria provided, single submitter. Criteria: ACMG Guidelines, 2015. Collection method: clinical testing. Allele origin: germline.
Comment: This variant is classified as likely benign based on ACMG/AMP sequence variant interpretation guidelines (Richards et al. 2015 PMID: 25741868, with internal and published modifications).

CeGaT Center for Human Genetics Tuebingen
Classification: Likely benign. Last evaluated: 2026-05-01. Review status: criteria provided, single submitter. Criteria: CeGaT Center For Human Genetics Tuebingen Variant Classification Criteria Version 2. Collection method: clinical testing. Allele origin: germline. Affected: yes. Observed: 1 variant allele.
Comment: OGDH: BP4, BP7

Labcorp Genetics (formerly Invitae), Labcorp
Classification: Benign for Oxoglutaricaciduria. Last evaluated: 2021-05-03. Review status: criteria provided, single submitter. Criteria: Invitae Variant Classification Sherloc (09022015). Collection method: clinical testing. Allele origin: germline.